The following is an entry in ClinVar:

NM_198334.3(GANAB):c.2831G>C (p.Arg944Pro)

Gene: GANAB (glucosidase II alpha subunit; minus strand). Cytogenetic location: 11q12.3.
Variant type: single nucleotide variant.
Coding change: c.2831G>C on transcript NM_198334.3 (MANE Select); coding-DNA position 2831, G replaced by C.
Protein change: p.Arg944Pro; replaces arginine 944 with proline.
Molecular consequence: missense variant.
Genome position (GRCh38, 1-based): chr11:62,625,819, C>G on the plus strand (G>C on the coding strand, the complement: GANAB is on the minus strand). VCF-style: chr11-62625819-C-G. GRCh37 (hg19) VCF-style: chr11-62393291-C-G.
Other names: c.2555G>C, p.Arg852Pro (NM_001278192.2); c.2489G>C, p.Arg830Pro (NM_001278193.2); c.2540G>C, p.Arg847Pro (NM_001278194.2, NM_001329222.2, NM_001329223.2); c.2108G>C, p.Arg703Pro (NM_001329224.2, NM_001329225.2); c.2897G>C, p.Arg966Pro (NM_198335.4); short protein forms R847P, R966P, R830P, R703P, R852P, R944P.
Identifiers: ClinVar variation 2539026 (VCV002539026.28), dbSNP rs149726248, ClinGen allele CA6050314.

ClinVar aggregate classification (germline): Conflicting classifications of pathogenicity. Review status: criteria provided, conflicting classifications (1 of 4 stars). 4 submissions from 4 submitters: Uncertain significance (3); Likely benign (1). Last evaluated 2025-06-11.

Conditions:
Inborn genetic diseases. Identifiers: MedGen C0950123, MeSH D030342.

Allele frequency attached by ClinVar (database versions not stated): ESP Exome Variant Server 0.00031.
gnomAD v4.1: 204 of 1,585,692 alleles (0.013%); highest among the groups gnomAD compares: Non-Finnish European, 0.017%; no homozygotes.

Submissions (4):

Labcorp Genetics (formerly Invitae), Labcorp
Classification: Uncertain significance. Last evaluated: 2025-06-11. Review status: criteria provided, single submitter. Criteria: Invitae Variant Classification Sherloc (09022015). Collection method: clinical testing. Allele origin: germline.
Comment: This sequence change replaces arginine, which is basic and polar, with proline, which is neutral and non-polar, at codon 966 of the GANAB protein (p.Arg966Pro). This variant is present in population databases (rs149726248, gnomAD 0.02%). This variant has not been reported in the literature in individuals affected with GANAB-related conditions. ClinVar contains an entry for this variant (Variation ID: 2539026). Invitae Evidence Modeling of protein sequence and biophysical properties (such as structural, functional, and spatial information, amino acid conservation, physicochemical variation, residue mobility, and thermodynamic stability) indicates that this missense variant is not expected to disrupt GANAB protein function with a negative predictive value of 95%. In summary, the available evidence is currently insufficient to determine the role of this variant in disease. Therefore, it has been classified as a Variant of Uncertain Significance.

Ambry Genetics
Classification: Uncertain significance for Inborn genetic diseases. Last evaluated: 2023-03-22. Review status: criteria provided, single submitter. Criteria: Ambry Variant Classification Scheme 2023. Collection method: clinical testing. Allele origin: germline.

Blueprint Genetics
Classification: Likely benign. Last evaluated: 2023-03-13. Review status: criteria provided, single submitter. Criteria: ACMG Guidelines, 2015. Collection method: clinical testing. Allele origin: germline.

CeGaT Center for Human Genetics Tuebingen
Classification: Uncertain significance. Last evaluated: 2022-09-01. Review status: criteria provided, single submitter. Criteria: CeGaT Center For Human Genetics Tuebingen Variant Classification Criteria Version 2. Collection method: clinical testing. Allele origin: germline. Affected: yes. Observed: 1 variant allele.